The following is an entry in ClinVar:

ClinVar aggregate classification (germline): Uncertain significance. Review status: criteria provided, single submitter (1 of 4 stars). 2 submissions from 2 submitters: Uncertain significance (1). 1 of the submissions does not count toward it. Last evaluated 2025-03-26.

Conditions:
RBM20-related disorder. Also called: RBM20-related condition.
Dilated cardiomyopathy 1DD (CMD1DD). Identifiers: Orphanet 154, MedGen C2750995, MONDO:0013168, OMIM 613172.

Allele frequency attached by ClinVar (database versions not stated): gnomAD exomes 0.00001; TOPMed 0.00002.
gnomAD v4.1: 9 of 1,551,502 alleles (0.00058%); highest among the groups gnomAD compares: Non-Finnish European, 0.00078%; no homozygotes.

Submissions (2):

Labcorp Genetics (formerly Invitae), Labcorp
Classification: Uncertain significance for Dilated cardiomyopathy 1DD. Last evaluated: 2025-03-26. Review status: criteria provided, single submitter. Criteria: Invitae Variant Classification Sherloc (09022015). Collection method: clinical testing. Allele origin: germline.
Comment: This sequence change replaces serine, which is neutral and polar, with asparagine, which is neutral and polar, at codon 1172 of the RBM20 protein (p.Ser1172Asn). This variant is not present in population databases (gnomAD no frequency). This variant has not been reported in the literature in individuals affected with RBM20-related conditions. ClinVar contains an entry for this variant (Variation ID: 940004). Invitae Evidence Modeling of protein sequence and biophysical properties (such as structural, functional, and spatial information, amino acid conservation, physicochemical variation, residue mobility, and thermodynamic stability) indicates that this missense variant is not expected to disrupt RBM20 protein function with a negative predictive value of 95%. In summary, the available evidence is currently insufficient to determine the role of this variant in disease. Therefore, it has been classified as a Variant of Uncertain Significance.

PreventionGenetics, part of Exact Sciences
Classification: Uncertain significance for RBM20-related condition. Last evaluated: 2024-06-27. Review status: no assertion criteria provided. Collection method: clinical testing. Allele origin: germline. Not counted in ClinVar's aggregate classification.
Comment: The RBM20 c.3515G>A variant is predicted to result in the amino acid substitution p.Ser1172Asn. To our knowledge, this variant has not been reported in the literature or in a large population database, indicating this variant is rare. At this time, the clinical significance of this variant is uncertain due to the absence of conclusive functional and genetic evidence.

NM_001134363.3(RBM20):c.3515G>A (p.Ser1172Asn)

Gene: RBM20 (RNA binding motif protein 20; plus strand). Cytogenetic location: 10q25.2.
Variant type: single nucleotide variant.
Coding change: c.3515G>A on transcript NM_001134363.3 (MANE Select); coding-DNA position 3515, G replaced by A.
Protein change: p.Ser1172Asn; replaces serine 1172 with asparagine.
Molecular consequence: missense variant.
Genome position (GRCh38, 1-based): chr10:110,831,124, G>A. VCF-style: chr10-110831124-G-A. GRCh37 (hg19) VCF-style: chr10-112590882-G-A.
Other names: short protein forms S1172N.
Identifiers: ClinVar variation 940004 (VCV000940004.9), dbSNP rs1165657860, ClinGen allele CA378386595.